The following is an entry in ClinVar:

NM_007347.5(AP4E1):c.2347-128T>C

Gene: AP4E1 (adaptor related protein complex 4 subunit epsilon 1; plus strand). Cytogenetic location: 15q21.2.
Variant type: single nucleotide variant.
Coding change: c.2347-128T>C on transcript NM_007347.5 (MANE Select); 128 bases into the intron before coding-DNA position 2347, T replaced by C.
Molecular consequence: intron variant.
Genome position (GRCh38, 1-based): chr15:50,997,198, T>C. VCF-style: chr15-50997198-T-C. GRCh37 (hg19) VCF-style: chr15-51289395-T-C.
Other names: c.2122-128T>C (NM_001252127.2).
Identifiers: ClinVar variation 678152 (VCV000678152.1), dbSNP rs2289304, ClinGen allele CA270525606.
Genomic context (GRCh38, chr15:50,997,198, plus strand): 5'-AAAGTTATATAGCTGTCAGGATTTTAGGGCTTAACATGTTATTTATCTCTGATTCTTTAC[T>C]AATTTATTCTTTATAGATAGAACCTTAGCAAATTGTTATATTGCTGATTTGAAATTATAG-3'

ClinVar aggregate classification (germline): Benign (1 of 4 stars; one submission).

Allele frequency attached by ClinVar (database versions not stated): 1000 Genomes Project 30x 0.20472; TOPMed 0.20547; gnomAD 0.20872 and 0.20929; 1000 Genomes Project 0.21086; gnomAD exomes 0.24799.
gnomAD v4.1: 191,212 of 795,616 alleles (24%); highest among the groups gnomAD compares: East Asian, 40%; 24,988 homozygotes.

Submission:

GeneDx
Classification: Benign. Last evaluated: 2018-06-14. Review status: criteria provided, single submitter. Criteria: GeneDx Variant Classification (06012015). Collection method: clinical testing. Allele origin: germline. Affected: yes.
Comment: This variant is considered likely benign or benign based on one or more of the following criteria: it is a conservative change, it occurs at a poorly conserved position in the protein, it is predicted to be benign by multiple in silico algorithms, and/or has population frequency not consistent with disease.